The following is an entry in ClinVar:

ClinVar aggregate classification (germline): Benign. Review status: criteria provided, multiple submitters, no conflicts (2 of 4 stars). 3 submissions from 2 submitters: Benign (3). Last evaluated 2021-05-14.

Conditions:
Charcot-Marie-Tooth disease type 4C (CMT4C). Also called: CHARCOT-MARIE-TOOTH DISEASE, DEMYELINATING, AUTOSOMAL RECESSIVE, TYPE 4C; CMT 4C; Charcot-Marie-Tooth Neuropathy Type 4C (CMT4C); CHARCOT-MARIE-TOOTH DISEASE, DEMYELINATING, TYPE 4C; SH3TC2-Related Hereditary Motor and Sensory Neuropathy. Identifiers: Orphanet 99949, MedGen C1866636, MONDO:0011113, OMIM 601596.
Susceptibility to mononeuropathy of the median nerve, mild. Also called: CARPAL TUNNEL SYNDROME, SUSCEPTIBILITY TO. Identifiers: MedGen C3150596, MONDO:0013237, OMIM 613353.

Allele frequency attached by ClinVar (database versions not stated): gnomAD exomes 0.20283; 1000 Genomes Project 0.20367; 1000 Genomes Project 30x 0.20518; TOPMed 0.22745; gnomAD 0.22959 and 0.23355.
gnomAD v4.1: 34,997 of 152,396 alleles (23%); highest among the groups gnomAD compares: African/African-American, 32%; 4,548 homozygotes.

Submissions (3):

GeneDx
Classification: Benign. Last evaluated: 2021-05-14. Review status: criteria provided, single submitter. Criteria: GeneDx Variant Classification Process June 2021. Collection method: clinical testing. Allele origin: germline. Affected: yes.

Illumina Laboratory Services, Illumina
Classification: Benign for Charcot-Marie-Tooth disease type 4C. Last evaluated: 2018-01-13. Review status: criteria provided, single submitter. Criteria: ICSL Variant Classification Criteria 13 December 2019. Collection method: clinical testing. Allele origin: germline.
Comment: This variant was observed in the ICSL laboratory as part of a predisposition screen in an ostensibly healthy population. It had not been previously curated by ICSL or reported in the Human Gene Mutation Database (HGMD: prior to June 1st, 2018), and was therefore a candidate for classification through an automated scoring system. Utilizing variant allele frequency, disease prevalence and penetrance estimates, and inheritance mode, an automated score was calculated to assess if this variant is too frequent to cause the disease. Based on the score and internal cut-off values, a variant classified as benign is not then subjected to further curation. The score for this variant resulted in a classification of benign for this disease.

Illumina Laboratory Services, Illumina
Classification: Benign for Susceptibility to mononeuropathy of the median nerve, mild. Last evaluated: 2018-01-13. Review status: criteria provided, single submitter. Criteria: ICSL Variant Classification Criteria 13 December 2019. Collection method: clinical testing. Allele origin: germline.
Comment: the same text as in the submission from Illumina Laboratory Services, Illumina above.

NM_024577.4(SH3TC2):c.*1639T>C

Gene: SH3TC2 (SH3 domain and tetratricopeptide repeats 2; minus strand). Cytogenetic location: 5q32.
Variant type: single nucleotide variant.
Coding change: c.*1639T>C on transcript NM_024577.4 (MANE Select); 1639 bases downstream of the stop codon, T replaced by C.
Molecular consequence: 3 prime UTR variant.
Genome position (GRCh38, 1-based): chr5:149,003,072, A>G on the plus strand (T>C on the coding strand, the complement: SH3TC2 is on the minus strand). VCF-style: chr5-149003072-A-G. GRCh37 (hg19) VCF-style: chr5-148382635-A-G.
Identifiers: ClinVar variation 351868 (VCV000351868.7), dbSNP rs1007400, ClinGen allele CA10620730.